The following is an entry in ClinVar:

NM_000492.4(CFTR):c.3468+2185C>T

Genes: CFTR (CF transmembrane conductance regulator; plus strand), CFTR-AS2 (CFTR antisense RNA 2; minus strand), LOC113633875 (CFTR intron 18a DNase I hypersensitive site; plus strand). Cytogenetic location: 7q31.2.
Variant type: single nucleotide variant.
Coding change: c.3468+2185C>T on transcript NM_000492.4 (MANE Select); 2185 bases into the intron after coding-DNA position 3468, C replaced by T.
Molecular consequence: intron variant.
Genome position (GRCh38, 1-based): chr7:117,616,898, C>T. VCF-style: chr7-117616898-C-T. GRCh37 (hg19) VCF-style: chr7-117256952-C-T.
Identifiers: ClinVar variation 4280048 (VCV004280048.1).

ClinVar aggregate classification (germline): Likely benign (1 of 4 stars; one submission).

Conditions:
Cystic fibrosis (CF). Also called: MUCOVISCIDOSIS. Identifiers: Orphanet 586, MedGen C0010674, MONDO:0009061, OMIM 219700. Disease mechanism: loss of function.

gnomAD v4.1: 263 of 152,202 alleles (0.17%); highest among the groups gnomAD compares: African/African-American, 0.59%; no homozygotes.

Submission:

Johns Hopkins Genomics, Johns Hopkins University
Classification: Likely benign for Cystic fibrosis. Last evaluated: 2024-07-12. Review status: criteria provided, single submitter. Criteria: ACMG Guidelines, 2015. Collection method: clinical testing. Allele origin: germline.
Comment: BS1_supporting, BP4, BP7